The following is an entry in ClinVar:

ClinVar aggregate classification (germline): Uncertain significance (1 of 4 stars; one submission).

Conditions:
Imerslund-Grasbeck syndrome type 2. Also called: Megaloblastic anemia 1, Norwegian type; MEGALOBLASTIC ANEMIA, NORWEGIAN TYPE; Imerslund-Gräsbeck syndrome 2. Identifiers: MedGen C4016948, MONDO:0100157, OMIM 618882.

Submission:

3billion
Classification: Uncertain significance for Imerslund-Grasbeck syndrome type 2. Last evaluated: 2023-12-08. Review status: criteria provided, single submitter. Criteria: ACMG Guidelines, 2015. Collection method: clinical testing. Allele origin: germline. Affected: yes.
Comment: The variant is not observed in the gnomAD v2.1.1 dataset. Predicted Consequence/Location: Intron variant In silico tools predict the variant to alter splicing and produce an abnormal transcript [SpliceAI: 0.64 (>=0.2, moderate evidence for spliceogenicity)]. Therefore, this variant is classified as VUS according to the recommendation of ACMG/AMP guideline.

NM_030943.4(AMN):c.163-21T>C

Gene: AMN (amnion associated transmembrane protein; plus strand). Cytogenetic location: 14q32.32.
Variant type: single nucleotide variant.
Coding change: c.163-21T>C on transcript NM_030943.4 (MANE Select); 21 bases into the intron before coding-DNA position 163, T replaced by C.
Molecular consequence: intron variant.
Genome position (GRCh38, 1-based): chr14:102,923,914, T>C. VCF-style: chr14-102923914-T-C. GRCh37 (hg19) VCF-style: chr14-103390251-T-C.
Other names: c.1-21T>C (NM_001425246.1).
Identifiers: ClinVar variation 3775356 (VCV003775356.1).